The following is an entry in ClinVar:

NM_001355436.2(SPTB):c.6510G>A (p.Pro2170=)

Gene: SPTB (spectrin beta, erythrocytic; minus strand). Cytogenetic location: 14q23.3.
Variant type: single nucleotide variant.
Coding change: c.6510G>A on transcript NM_001355436.2 (MANE Select); coding-DNA position 6510, G replaced by A.
Protein change: p.Pro2170=; no amino-acid change (proline 2170 retained).
Molecular consequence: synonymous variant.
Genome position (GRCh38, 1-based): chr14:64,753,629, C>T on the plus strand (G>A on the coding strand, the complement: SPTB is on the minus strand). VCF-style: chr14-64753629-C-T. GRCh37 (hg19) VCF-style: chr14-65220347-C-T.
Other names: c.6510G>A, p.Pro2170= (NM_001024858.4).
Identifiers: ClinVar variation 5038892 (VCV005038892.1).

ClinVar aggregate classification (germline): Likely benign (1 of 4 stars; one submission).

gnomAD v4.1: 321 of 1,613,650 alleles (0.02%); highest among the groups gnomAD compares: East Asian, 0.55%; 3 homozygotes.

Submission:

CeGaT Center for Human Genetics Tuebingen
Classification: Likely benign. Last evaluated: 2026-07-01. Review status: criteria provided, single submitter. Criteria: CeGaT Center For Human Genetics Tuebingen Variant Classification Criteria Version 2. Collection method: clinical testing. Allele origin: germline. Affected: yes. Observed: 1 variant allele.
Comment: SPTB: BP4, BP7